The following is an entry in ClinVar:

ClinVar aggregate classification (germline): Uncertain significance (1 of 4 stars; one submission).

gnomAD v4.1: 8 of 1,613,824 alleles (0.0005%); highest among the groups gnomAD compares: Non-Finnish European, 0.00068%; no homozygotes.

Submission:

Labcorp Genetics (formerly Invitae), Labcorp
Classification: Uncertain significance. Last evaluated: 2024-10-15. Review status: criteria provided, single submitter. Criteria: Invitae Variant Classification Sherloc (09022015). Collection method: clinical testing. Allele origin: germline.
Comment: This sequence change replaces leucine, which is neutral and non-polar, with proline, which is neutral and non-polar, at codon 2547 of the VCAN protein (p.Leu2547Pro). This variant is not present in population databases (gnomAD no frequency). This variant has not been reported in the literature in individuals affected with VCAN-related conditions. An algorithm developed to predict the effect of missense changes on protein structure and function (PolyPhen-2) suggests that this variant is likely to be disruptive. In summary, the available evidence is currently insufficient to determine the role of this variant in disease. Therefore, it has been classified as a Variant of Uncertain Significance.

NM_004385.5(VCAN):c.7640T>C (p.Leu2547Pro)

Genes: VCAN (versican; plus strand), VCAN-AS1 (VCAN antisense RNA 1; minus strand). Cytogenetic location: 5q14.3.
Variant type: single nucleotide variant.
Coding change: c.7640T>C on transcript NM_004385.5 (MANE Select); coding-DNA position 7640, T replaced by C.
Protein change: p.Leu2547Pro; replaces leucine 2547 with proline.
Molecular consequence: missense variant. On other transcripts: intron variant (2).
Genome position (GRCh38, 1-based): chr5:83,540,643, T>C. VCF-style: chr5-83540643-T-C. GRCh37 (hg19) VCF-style: chr5-82836462-T-C.
Other names: c.4679T>C, p.Leu1560Pro (NM_001164097.2); c.4004-4894T>C (NM_001164098.2); c.1043-4894T>C (NM_001126336.3); short protein forms L2547P, L1560P.
Identifiers: ClinVar variation 3656045 (VCV003656045.2).
Genomic context (GRCh38, chr5:83,540,643, plus strand): 5'-TCGAGGATTCCACCTTAAAACCTAACAGAAAAAAACCCACTGAAAATATTATCATAGACC[T>C]GGACAAAGAGGACAAGGATTTAATATTGACAATTACAGAGAGTACCATCCTTGAAATTCT-3'
Protein context (NP_004376.2, residues 2537-2557): KKPTENIIID[Leu2547Pro]DKEDKDLILT